The following is an entry in ClinVar:

NM_006648.4(WNK2):c.4054C>G (p.Gln1352Glu)

Gene: WNK2 (WNK lysine deficient protein kinase 2; plus strand). Cytogenetic location: 9q22.31.
Variant type: single nucleotide variant.
Coding change: c.4054C>G on transcript NM_006648.4 (MANE Select); coding-DNA position 4054, C replaced by G.
Protein change: p.Gln1352Glu; replaces glutamine 1352 with glutamic acid.
Molecular consequence: missense variant.
Genome position (GRCh38, 1-based): chr9:93,288,808, C>G. VCF-style: chr9-93288808-C-G. GRCh37 (hg19) VCF-style: chr9-96051090-C-G.
Other names: c.4165C>G, p.Gln1389Glu (NM_001282394.3); short protein forms Q1352E, Q1389E.
Identifiers: ClinVar variation 4605312 (VCV004605312.1).

ClinVar aggregate classification (germline): Uncertain significance (1 of 4 stars; one submission).

Submission:

Ambry Genetics
Classification: Uncertain significance. Last evaluated: 2025-10-28. Review status: criteria provided, single submitter. Criteria: Ambry Variant Classification Scheme 2023. Collection method: clinical testing. Allele origin: germline.
Comment: The p.Q1352E variant (also known as c.4054C>G), located in coding exon 19 of the WNK2 gene, results from a C to G substitution at nucleotide position 4054. The glutamine at codon 1352 is replaced by glutamic acid, an amino acid with highly similar properties. This amino acid position is conserved. In addition, this alteration is predicted to be tolerated by in silico analysis. Based on the available evidence, the clinical significance of this variant remains unclear.